The following is an entry in ClinVar:

NM_001162498.3(LPAR6):c.542T>G (p.Leu181Arg)

Genes: LPAR6 (lysophosphatidic acid receptor 6; minus strand), RB1 (RB transcriptional corepressor 1; plus strand). Cytogenetic location: 13q14.2.
Variant type: single nucleotide variant.
Coding change: c.542T>G on transcript NM_001162498.3 (MANE Select); coding-DNA position 542, T replaced by G.
Protein change: p.Leu181Arg; replaces leucine 181 with arginine.
Molecular consequence: missense variant. On other transcripts: intron variant (2).
Genome position (GRCh38, 1-based): chr13:48,411,882, A>C on the plus strand (T>G on the coding strand, the complement: LPAR6 is on the minus strand). VCF-style: chr13-48411882-A-C. GRCh37 (hg19) VCF-style: chr13-48986018-A-C.
Other names: c.542T>G, p.Leu181Arg (NM_001162497.3, NM_001377316.2, NM_001377317.2 and 1 more transcripts); c.1695+30439A>C (NM_001407165.1, NM_000321.3); short protein forms L181R.
Identifiers: ClinVar variation 4857206 (VCV004857206.1).

ClinVar aggregate classification (germline): Uncertain significance (1 of 4 stars; one submission).

Conditions:
Hypotrichosis 8 (HYPT8). Also called: HYPOTRICHOSIS, LOCALIZED, AUTOSOMAL RECESSIVE 3. Identifiers: Orphanet 55654, MedGen C3279470, MONDO:0010206, OMIM 278150.

gnomAD v4.1: 1 of 1,613,722 alleles (0.000062%); highest among the groups gnomAD compares: East Asian, 0.0022%; no homozygotes.

Submission:

Kasturba Medical College, Manipal, Kasturba Medical College, Manipal, Manipal Academy of Higher Education, Manipal, India
Classification: Uncertain significance for Hypotrichosis 8. Review status: criteria provided, single submitter. Criteria: ACMG Guidelines, 2015. Collection method: research. Allele origin: biparental. Inheritance: Autosomal recessive inheritance. Affected: yes. Observed: 1 variant allele, 1 homozygote.
Comment: This variant is observed in one individual the gnomAD (v4.1.1) population database in a heterozygous state and is not observed in our in-house database of 4276 exomes. In-silico prediction tools (MutationTaster and CADD Phred) are consistent in predicting the variant to be damaging to LPAR6 protein function. Biallelic variants in LPAR6 are associated with hypotrichosis 8 (MIM# 278150) and woolly hair, autosomal recessive 1, with or without hypotrichosis (MIM# 278150). The clinical features observed in the proband are in concordance with woolly hair, autosomal recessive 1, with or without hypotrichosis.